The following is an entry in ClinVar:

NM_201384.3(PLEC):c.7952G>A (p.Arg2651Gln)

Gene: PLEC (plectin; minus strand). Cytogenetic location: 8q24.3.
Variant type: single nucleotide variant.
Coding change: c.7952G>A on transcript NM_201384.3 (MANE Select); coding-DNA position 7952, G replaced by A.
Protein change: p.Arg2651Gln; replaces arginine 2651 with glutamine.
Molecular consequence: missense variant.
Genome position (GRCh38, 1-based): chr8:143,921,869, C>T on the plus strand (G>A on the coding strand, the complement: PLEC is on the minus strand). VCF-style: chr8-143921869-C-T. GRCh37 (hg19) VCF-style: chr8-144996037-C-T.
Other names: c.8033G>A, p.Arg2678Gln (NM_000445.5); c.7910G>A, p.Arg2637Gln (NM_201378.4); c.7886G>A, p.Arg2629Gln (NM_201379.3); c.8363G>A, p.Arg2788Gln (NM_201380.4); c.7856G>A, p.Arg2619Gln (NM_201381.3); c.7952G>A, p.Arg2651Gln (NM_201382.4); c.7964G>A, p.Arg2655Gln (NM_201383.3); c.8033G>A (NM_000445.3); short protein forms R2637Q, R2629Q, R2651Q, R2655Q, R2678Q, R2619Q, R2788Q.
Identifiers: ClinVar variation 661105 (VCV000661105.10), dbSNP rs375411469, ClinGen allele CA4925470.

ClinVar aggregate classification (germline): Conflicting classifications of pathogenicity. Review status: criteria provided, conflicting classifications (1 of 4 stars). 4 submissions from 4 submitters: Uncertain significance (2); Likely benign (1). 1 of the submissions does not count toward it. Last evaluated 2026-01-27.

Conditions:
Epidermolysis bullosa simplex with nail dystrophy (EBS5D). Identifiers: MedGen C4225309, MONDO:0014661, OMIM 616487.
Epidermolysis bullosa simplex 5C, with pyloric atresia (EBS5C). Also called: PLEC-Related Epidermolysis Bullosa with Pyloric Atresia; Epidermolysis bullosa simplex with pyloric atresia; PLEC1-Related Epidermolysis Bullosa with Pyloric Atresia. Identifiers: Orphanet 158684, MedGen C2677349, MONDO:0012807, OMIM 612138.
Epidermolysis bullosa simplex 5B, with muscular dystrophy (EBS5B). Also called: Epidermolysis bullosa simplex with muscular dystrophy; EPIDERMOLYSIS BULLOSA SIMPLEX AND LIMB-GIRDLE MUSCULAR DYSTROPHY. Identifiers: Orphanet 257, MedGen C2931072, MONDO:0009181, OMIM 226670.
Epidermolysis bullosa simplex, Ogna type (EBS5A). Also called: Pidermolysis bullosa simplex 5A, Ogna type; EPIDERMOLYSIS BULLOSA SIMPLEX 5A, OGNA TYPE. Identifiers: Orphanet 79401, MedGen C0432317, MONDO:0007555, OMIM 131950.
Autosomal recessive limb-girdle muscular dystrophy type 2Q (LGMDR17). Also called: MUSCULAR DYSTROPHY, LIMB-GIRDLE, AUTOSOMAL RECESSIVE 17. Identifiers: Orphanet 254361, MedGen C3150989, MONDO:0013390, OMIM 613723.
Inborn genetic diseases. Identifiers: MedGen C0950123, MeSH D030342.
PLEC-related disorder. Also called: PLEC-related condition; PLEC-related disorders.

Allele frequency attached by ClinVar (database versions not stated): gnomAD 0.00002; TOPMed 0.00002; ESP Exome Variant Server 0.00008.
gnomAD v4.1: 72 of 1,602,208 alleles (0.0045%); highest among the groups gnomAD compares: East Asian, 0.018%; no homozygotes.

Submissions (4):

Labcorp Genetics (formerly Invitae), Labcorp
Classification: Uncertain significance for Autosomal recessive limb-girdle muscular dystrophy type 2Q; Epidermolysis bullosa simplex, Ogna type; Epidermolysis bullosa simplex with nail dystrophy; Epidermolysis bullosa simplex 5C, with pyloric atresia; Epidermolysis bullosa simplex 5B, with muscular dystrophy. Last evaluated: 2026-01-27. Review status: criteria provided, single submitter. Criteria: Invitae Variant Classification Sherloc (09022015). Collection method: clinical testing. Allele origin: germline.
Comment: This sequence change replaces arginine, which is basic and polar, with glutamine, which is neutral and polar, at codon 2678 of the PLEC protein (p.Arg2678Gln). This variant is present in population databases (rs375411469, gnomAD 0.01%). This variant has not been reported in the literature in individuals affected with PLEC-related conditions. ClinVar contains an entry for this variant (Variation ID: 661105). An algorithm developed to predict the effect of missense changes on protein structure and function outputs the following: PolyPhen-2: "Benign". The glutamine amino acid residue is found in multiple mammalian species, which suggests that this missense change does not adversely affect protein function. In summary, the available evidence is currently insufficient to determine the role of this variant in disease. Therefore, it has been classified as a Variant of Uncertain Significance.

Revvity Omics, Revvity
Classification: Uncertain significance. Last evaluated: 2024-02-27. Review status: criteria provided, single submitter. Criteria: ACMG Guidelines, 2015. Collection method: clinical testing. Allele origin: germline.

Ambry Genetics
Classification: Likely benign for Inborn genetic diseases. Last evaluated: 2022-05-18. Review status: criteria provided, single submitter. Criteria: Ambry Variant Classification Scheme 2023. Collection method: clinical testing. Allele origin: germline.

PreventionGenetics, part of Exact Sciences
Classification: Uncertain significance for PLEC-related condition. Last evaluated: 2024-07-24. Review status: no assertion criteria provided. Collection method: clinical testing. Allele origin: germline. Not counted in ClinVar's aggregate classification.
Comment: The PLEC c.8033G>A variant is predicted to result in the amino acid substitution p.Arg2678Gln. To our knowledge, this variant has not been reported in the literature. This variant is reported in 0.011% of alleles in individuals of East Asian descent in gnomAD. At this time, the clinical significance of this variant is uncertain due to the absence of conclusive functional and genetic evidence.